The following is an entry in ClinVar:

ClinVar aggregate classification (germline): Pathogenic (1 of 4 stars; one submission).

Conditions:
Developmental and epileptic encephalopathy, 9 (DEE9). Also called: Early infantile epileptic encephalopathy 9; JUBERG-HELLMAN SYNDROME; EPILEPSY, FEMALE-RESTRICTED, WITH MENTAL RETARDATION; PCDH19-Related X-Linked Female-Limited Epilepsy with Mental Retardation. Identifiers: Orphanet 101039, Orphanet 2076, MedGen C1848137, MONDO:0010246, OMIM 300088. Disease mechanism: loss of function.

Submission:

Labcorp Genetics (formerly Invitae), Labcorp
Classification: Pathogenic for Developmental and epileptic encephalopathy, 9. Last evaluated: 2025-02-04. Review status: criteria provided, single submitter. Criteria: Invitae Variant Classification Sherloc (09022015). Collection method: clinical testing. Allele origin: germline.
Comment: This sequence change creates a premature translational stop signal (p.Gln290Argfs*15) in the PCDH19 gene. It is expected to result in an absent or disrupted protein product. Loss-of-function variants in PCDH19 are known to be pathogenic (PMID: 21053371). This variant is not present in population databases (gnomAD no frequency). This variant has not been reported in the literature in individuals affected with PCDH19-related conditions. For these reasons, this variant has been classified as Pathogenic.

Literature cited by the submitters: PubMed 21053371.

NM_001184880.2(PCDH19):c.867del (p.Gln290fs)

Gene: PCDH19 (protocadherin 19; minus strand). Cytogenetic location: Xq22.1.
Variant type: Deletion.
Coding change: c.867del on transcript NM_001184880.2 (MANE Select); coding-DNA position 867, one base deleted (T; older notation c.867delT).
Protein change: p.Gln290fs; shifts the reading frame from glutamine 290.
Molecular consequence: frameshift variant.
Genome position (GRCh38, 1-based): chrX:100,407,731, A deleted on the plus strand (T on the coding strand, the reverse complement: PCDH19 is on the minus strand); the first of 3 consecutive A bases (chrX:100,407,731-100,407,733); deleting any one gives the same sequence. VCF-style (leftmost placement, unchanged base first): chrX-100407730-GA-G. GRCh37 (hg19) VCF-style: chrX-99662728-GA-G.
Other names: c.867del, p.Gln290fs (NM_001105243.2, NM_020766.3); short protein forms Q290fs.
Identifiers: ClinVar variation 4712313 (VCV004712313.1).